The following is an entry in ClinVar:

ClinVar aggregate classification (germline): Likely benign. Review status: criteria provided, multiple submitters, no conflicts (2 of 4 stars). 2 submissions from 2 submitters: Likely benign (2). Last evaluated 2022-08-11.

Conditions:
Osteogenesis imperfecta type I (OI1). Also called: OI, TYPE I; OSTEOGENESIS IMPERFECTA TARDA; OSTEOGENESIS IMPERFECTA WITH BLUE SCLERAE; Lobstein's Disease; Classic Non-deforming Osteogenesis Imperfecta with Blue Sclerae; Lobstein disease. Identifiers: Orphanet 216796, Orphanet 666, MedGen C0023931, MONDO:0008146, OMIM 166200. Disease mechanism: loss of function.
Ehlers-Danlos syndrome, classic type, 1 (EDSCL1). Also called: Ehlers-Danlos Syndrome, Classic Type, COL5A1-Related; EDS I; Ehlers-Danlos syndrome, type 1; EHLERS-DANLOS SYNDROME, GRAVIS TYPE; EHLERS-DANLOS SYNDROME, SEVERE CLASSIC TYPE. Identifiers: MedGen C0268335, MONDO:0019567, OMIM 130000.

Allele frequency attached by ClinVar (database versions not stated): gnomAD exomes below 0.00001; TOPMed below 0.00001.
gnomAD v4.1: 1 of 1,613,974 alleles (0.000062%); highest among the groups gnomAD compares: Admixed American, 0.0017%; no homozygotes.

Submissions (2):

Labcorp Genetics (formerly Invitae), Labcorp
Classification: Likely benign for Osteogenesis imperfecta type I; Ehlers-Danlos syndrome, classic type, 1. Last evaluated: 2022-08-11. Review status: criteria provided, single submitter. Criteria: Invitae Variant Classification Sherloc (09022015). Collection method: clinical testing. Allele origin: germline.

GeneDx
Classification: Likely benign. Last evaluated: 2018-03-09. Review status: criteria provided, single submitter. Criteria: GeneDx Variant Classification (06012015). Collection method: clinical testing. Allele origin: germline. Affected: yes.
Comment: This variant is considered likely benign or benign based on one or more of the following criteria: it is a conservative change, it occurs at a poorly conserved position in the protein, it is predicted to be benign by multiple in silico algorithms, and/or has population frequency not consistent with disease.

NM_000089.4(COL1A2):c.3783C>T (p.Ala1261=)

Gene: COL1A2 (collagen type I alpha 2 chain; plus strand). Cytogenetic location: 7q21.3.
Variant type: single nucleotide variant.
Coding change: c.3783C>T on transcript NM_000089.4 (MANE Select); coding-DNA position 3783, C replaced by T.
Protein change: p.Ala1261=; no amino-acid change (alanine 1261 retained).
Molecular consequence: synonymous variant.
Genome position (GRCh38, 1-based): chr7:94,429,259, C>T. VCF-style: chr7-94429259-C-T. GRCh37 (hg19) VCF-style: chr7-94058571-C-T.
Identifiers: ClinVar variation 515962 (VCV000515962.6), dbSNP rs201393190, ClinGen allele CA162942120.